The following is an entry in ClinVar:

NM_001365951.3(KIF1B):c.3083A>G (p.Gln1028Arg)

Gene: KIF1B (kinesin family member 1B; plus strand). Cytogenetic location: 1p36.22.
Variant type: single nucleotide variant.
Coding change: c.3083A>G on transcript NM_001365951.3 (MANE Select); coding-DNA position 3083, A replaced by G.
Protein change: p.Gln1028Arg; replaces glutamine 1028 with arginine.
Molecular consequence: missense variant.
Genome position (GRCh38, 1-based): chr1:10,336,696, A>G. VCF-style: chr1-10336696-A-G. GRCh37 (hg19) VCF-style: chr1-10396754-A-G.
Other names: c.3083A>G, p.Gln1028Arg (NM_001365952.1); c.2945A>G, p.Gln982Arg (NM_015074.3); short protein forms Q1028R, Q982R.
Identifiers: ClinVar variation 3864105 (VCV003864105.1).

ClinVar aggregate classification (germline): Uncertain significance (1 of 4 stars; one submission).

Submission:

Ambry Genetics
Classification: Uncertain significance. Last evaluated: 2025-02-21. Review status: criteria provided, single submitter. Criteria: Ambry Variant Classification Scheme 2023. Collection method: clinical testing. Allele origin: germline.
Comment: The p.Q982R variant (also known as c.2945A>G), located in coding exon 26 of the KIF1B gene, results from an A to G substitution at nucleotide position 2945. The glutamine at codon 982 is replaced by arginine, an amino acid with highly similar properties. This amino acid position is conserved. In addition, this alteration is predicted to be deleterious by in silico analysis. Based on the available evidence, the clinical significance of this variant remains unclear.